The following is an entry in ClinVar:

ClinVar aggregate classification (germline): Uncertain significance (0 of 4 stars; one submission).

Conditions:
Radioulnar synostosis. Also called: Congenital radioulnar synostosis. Identifiers: Orphanet 3269, MedGen C0158761, MONDO:0017985, HP:0002974.

Allele frequency attached by ClinVar (database versions not stated): gnomAD 0.00001.
gnomAD v4.1: 4 of 1,421,350 alleles (0.00028%); highest among the groups gnomAD compares: African/African-American, 0.0015%; no homozygotes.

Submission:

The Laboratory of Genetics and Metabolism, Hunan Children’s Hospital
Classification: Uncertain significance for radioulnar synostosis. Last evaluated: 2019-05-14. Review status: no assertion criteria provided. Collection method: case-control. Allele origin: maternal. Affected: yes.
Comment: PM1, PM2, PP4, BS4

NM_005585.5(SMAD6):c.560C>T (p.Ser187Leu)

Gene: SMAD6 (SMAD family member 6; plus strand). Cytogenetic location: 15q22.31.
Variant type: single nucleotide variant.
Coding change: c.560C>T on transcript NM_005585.5 (MANE Select); coding-DNA position 560, C replaced by T.
Protein change: p.Ser187Leu; replaces serine 187 with leucine.
Molecular consequence: missense variant. On other transcripts: non-coding transcript variant (1).
Genome position (GRCh38, 1-based): chr15:66,703,818, C>T. VCF-style: chr15-66703818-C-T. GRCh37 (hg19) VCF-style: chr15-66996156-C-T.
Other names: short protein forms S187L.
Identifiers: ClinVar variation 690418 (VCV000690418.2), dbSNP rs1359442505, ClinGen allele CA392949795.